The following is an entry in ClinVar:

NM_000465.4(BARD1):c.66_70delinsTGCGT (p.Pro24Ser)

Gene: BARD1 (BRCA1 associated RING domain 1; minus strand). Cytogenetic location: 2q35.
Variant type: Indel.
Coding change: c.66_70delinsTGCGT on transcript NM_000465.4 (MANE Select); coding-DNA positions 66 to 70, CGCGC replaced by TGCGT.
Protein change: p.Pro24Ser; replaces proline 24 with serine.
Molecular consequence: missense variant. On other transcripts: non-coding transcript variant (3).
Genome position (GRCh38, 1-based): chr2:214,809,500-214,809,504, GCGCG replaced by ACGCA on the plus strand (CGCGC replaced by TGCGT on the coding strand, the reverse complement: BARD1 is on the minus strand). VCF-style: chr2-214809500-GCGCG-ACGCA. GRCh37 (hg19) VCF-style: chr2-215674224-GCGCG-ACGCA.
Other names: c.66_70delinsTGCGT, p.Pro24Ser (NM_001282543.2, NM_001282545.2, NM_001282548.2 and 1 more transcripts); short protein forms P24S.
Identifiers: ClinVar variation 3378709 (VCV003378709.1).

ClinVar aggregate classification (germline): Benign (1 of 4 stars; one submission).

Conditions:
Familial cancer of breast. Also called: hereditary breast carcinoma; Hereditary breast cancer; BREAST CANCER, FAMILIAL. Identifiers: Orphanet 227535, MedGen C0346153, MONDO:0016419, OMIM 114480. Disease mechanism: loss of function.

Submission:

Myriad Genetics, Inc.
Classification: Benign for Familial cancer of breast. Last evaluated: 2024-07-18. Review status: criteria provided, single submitter. Criteria: Myriad Autosomal Dominant, Autosomal Recessive and X-Linked Classification Criteria (2023). Collection method: clinical testing. Allele origin: unknown.
Comment: This variant is considered benign. This variant has been observed at a population frequency that is significantly greater than expected given the associated disease prevalence and penetrance.